The following is an entry in ClinVar:

ClinVar aggregate classification (germline): Uncertain significance. Review status: criteria provided, multiple submitters, no conflicts (2 of 4 stars). 4 submissions from 4 submitters: Uncertain significance (3). 1 of the submissions does not count toward it. Last evaluated 2025-05-16.

Conditions:
SLC27A5-related disorder. Also called: SLC27A5-related condition.

Allele frequency attached by ClinVar (database versions not stated): gnomAD 0.00002 and 0.00003; gnomAD exomes 0.00002; TOPMed 0.00002; ExAC 0.00006.

Submissions (4):

Ambry Genetics
Classification: Uncertain significance. Last evaluated: 2025-05-16. Review status: criteria provided, single submitter. Criteria: Ambry Variant Classification Scheme 2023. Collection method: clinical testing. Allele origin: germline.

Labcorp Genetics (formerly Invitae), Labcorp
Classification: Uncertain significance. Last evaluated: 2024-04-20. Review status: criteria provided, single submitter. Criteria: Invitae Variant Classification Sherloc (09022015). Collection method: clinical testing. Allele origin: germline.
Comment: This sequence change replaces alanine, which is neutral and non-polar, with valine, which is neutral and non-polar, at codon 155 of the SLC27A5 protein (p.Ala155Val). The frequency data for this variant in the population databases is considered unreliable, as metrics indicate poor data quality at this position in the gnomAD database. This variant has not been reported in the literature in individuals affected with SLC27A5-related conditions. ClinVar contains an entry for this variant (Variation ID: 289036). Algorithms developed to predict the effect of missense changes on protein structure and function output the following: SIFT: "Not Available"; PolyPhen-2: "Benign"; Align-GVGD: "Not Available". The valine amino acid residue is found in multiple mammalian species, which suggests that this missense change does not adversely affect protein function. In summary, the available evidence is currently insufficient to determine the role of this variant in disease. Therefore, it has been classified as a Variant of Uncertain Significance.

Eurofins Ntd Llc (ga)
Classification: Uncertain significance. Last evaluated: 2016-06-21. Review status: criteria provided, single submitter. Criteria: EGL Classification Definitions 2015. Collection method: clinical testing. Allele origin: germline. Observed: 1 variant allele, 1 heterozygote.

PreventionGenetics, part of Exact Sciences
Classification: Uncertain significance for SLC27A5-related condition. Last evaluated: 2024-03-20. Review status: no assertion criteria provided. Collection method: clinical testing. Allele origin: germline. Not counted in ClinVar's aggregate classification.
Comment: The SLC27A5 c.464C>T variant is predicted to result in the amino acid substitution p.Ala155Val. To our knowledge, this variant has not been reported in the literature. This variant is reported in 0.012% of alleles in individuals of South Asian descent in gnomAD. At this time, the clinical significance of this variant is uncertain due to the absence of conclusive functional and genetic evidence.

NM_012254.3(SLC27A5):c.464C>T (p.Ala155Val)

Gene: SLC27A5 (solute carrier family 27 member 5; minus strand). Cytogenetic location: 19q13.43.
Variant type: single nucleotide variant.
Coding change: c.464C>T on transcript NM_012254.3 (MANE Select); coding-DNA position 464, C replaced by T.
Protein change: p.Ala155Val; replaces alanine 155 with valine.
Molecular consequence: missense variant. On other transcripts: intron variant (1).
Genome position (GRCh38, 1-based): chr19:58,511,492, G>A on the plus strand (C>T on the coding strand, the complement: SLC27A5 is on the minus strand). VCF-style: chr19-58511492-G-A. GRCh37 (hg19) VCF-style: chr19-59022859-G-A.
Other names: c.436+28C>T (NM_001321196.2); c.464C>T (NM_012254.2); short protein forms A155V.
Identifiers: ClinVar variation 289036 (VCV000289036.11), dbSNP rs764993873, ClinGen allele CA9718278.
Genomic context (GRCh38, chr19:58,511,492, plus strand): 5'-GTAGGCTCCCCGGCACACAGGCTCGCAGGGTCACCCAGCTCAGCCTTCAGGGCCCATGCC[G>A]CCTGGCAGGCCCGGGCATCCAGCTCACCAAAGGTGACTGAGCCGGCCCCAGGCCCCGTCC-3'
Protein context (NP_036386.1, residues 145-165): FGELDARACQ[Ala155Val]AWALKAELGD